The following is an entry in ClinVar:

ClinVar aggregate classification (germline): Uncertain significance. Review status: criteria provided, multiple submitters, no conflicts (2 of 4 stars). 2 submissions from 2 submitters: Uncertain significance (2). Last evaluated 2025-02-12.

Conditions:
Inborn genetic diseases. Identifiers: MedGen C0950123, MeSH D030342.

gnomAD v4.1: 2 of 1,613,328 alleles (0.00012%); highest among the groups gnomAD compares: African/African-American, 0.0027%; no homozygotes.

Submissions (2):

Ambry Genetics
Classification: Uncertain significance for Inborn genetic diseases. Last evaluated: 2025-02-12. Review status: criteria provided, single submitter. Criteria: Ambry Variant Classification Scheme 2023. Collection method: clinical testing. Allele origin: germline.
Comment: The p.N634S variant (also known as c.1901A>G), located in coding exon 11 of the FANCM gene, results from an A to G substitution at nucleotide position 1901. The asparagine at codon 634 is replaced by serine, an amino acid with highly similar properties. This amino acid position is conserved. In addition, this alteration is predicted to be tolerated by in silico analysis. Based on the available evidence, the clinical significance of this variant remains unclear.

GeneDx
Classification: Uncertain significance. Last evaluated: 2023-06-20. Review status: criteria provided, single submitter. Criteria: GeneDx Variant Classification Process June 2021. Collection method: clinical testing. Allele origin: germline. Affected: yes.
Comment: Not observed at significant frequency in large population cohorts (gnomAD); In silico analysis supports that this missense variant has a deleterious effect on protein structure/function; Has not been previously published as pathogenic or benign to our knowledge

NM_020937.4(FANCM):c.1901A>G (p.Asn634Ser)

Gene: FANCM (FA complementation group M; plus strand). Cytogenetic location: 14q21.2.
Variant type: single nucleotide variant.
Coding change: c.1901A>G on transcript NM_020937.4 (MANE Select); coding-DNA position 1901, A replaced by G.
Protein change: p.Asn634Ser; replaces asparagine 634 with serine.
Molecular consequence: missense variant.
Genome position (GRCh38, 1-based): chr14:45,167,062, A>G. VCF-style: chr14-45167062-A-G. GRCh37 (hg19) VCF-style: chr14-45636265-A-G.
Other names: c.1823A>G, p.Asn608Ser (NM_001308133.2); c.1901A>G, p.Asn634Ser (NM_001308134.2); short protein forms N608S, N634S.
Identifiers: ClinVar variation 3360148 (VCV003360148.2).
Genomic context (GRCh38, chr14:45,167,062, plus strand): 5'-GTAACAGGCAGGTCCTTCATTTTTACCAAAGAAGTCCACGAATGGTTCCTGATGGAATCA[A>G]CCCAAAATTACACAAAATGTTCATCACACATGGTGTCTATGAACCAGAGAAGCCTTCTCG-3'
Protein context (NP_065988.1, residues 624-644): RSPRMVPDGI[Asn634Ser]PKLHKMFITH